The following is an entry in ClinVar:

NM_000051.4(ATM):c.395C>G (p.Ser132Cys)

Gene: ATM (ATM serine/threonine kinase; plus strand). Cytogenetic location: 11q22.3.
Variant type: single nucleotide variant.
Coding change: c.395C>G on transcript NM_000051.4 (MANE Select); coding-DNA position 395, C replaced by G.
Protein change: p.Ser132Cys; replaces serine 132 with cysteine.
Molecular consequence: missense variant.
Genome position (GRCh38, 1-based): chr11:108,235,733, C>G. VCF-style: chr11-108235733-C-G. GRCh37 (hg19) VCF-style: chr11-108106460-C-G.
Other names: c.395C>G, p.Ser132Cys (NM_001351834.2); short protein forms S132C.
Identifiers: ClinVar variation 824427 (VCV000824427.17), dbSNP rs750969764, ClinGen allele CA382524923.

ClinVar aggregate classification (germline): Conflicting classifications of pathogenicity. Review status: criteria provided, conflicting classifications (1 of 4 stars). 4 submissions from 4 submitters: Uncertain significance (2); Likely benign (1). 1 of the submissions does not count toward it. Last evaluated 2025-01-11.

Conditions:
Familial cancer of breast. Also called: hereditary breast carcinoma; BREAST CANCER, FAMILIAL; Hereditary breast cancer. Identifiers: Orphanet 227535, MedGen C0346153, MONDO:0016419, OMIM 114480. Disease mechanism: loss of function.
Ataxia-telangiectasia syndrome (AT). Also called: ATAXIA-TELANGIECTASIA, COMPLEMENTATION GROUP A; ATAXIA-TELANGIECTASIA, FRESNO VARIANT; Ataxia-telangiectasia, complementation group E; Ataxia telangiectasia (A-T); LOUIS-BAR SYNDROME; Cerebello-oculocutaneous telangiectasia. Identifiers: Orphanet 100, MedGen C0004135, MONDO:0008840, OMIM 208900.
Hereditary cancer-predisposing syndrome. Also called: Neoplastic Syndromes, Hereditary; Hereditary Cancer Syndrome; Hereditary neoplastic syndrome; Tumor predisposition. Identifiers: Orphanet 140162, MedGen C0027672, MeSH D009386, MONDO:0015356.

Submissions (4):

Labcorp Genetics (formerly Invitae), Labcorp
Classification: Uncertain significance for Ataxia-telangiectasia syndrome. Last evaluated: 2025-01-11. Review status: criteria provided, single submitter. Criteria: Invitae Variant Classification Sherloc (09022015). Collection method: clinical testing. Allele origin: germline.
Comment: This sequence change replaces serine, which is neutral and polar, with cysteine, which is neutral and slightly polar, at codon 132 of the ATM protein (p.Ser132Cys). This variant is not present in population databases (gnomAD no frequency). This variant has not been reported in the literature in individuals affected with ATM-related conditions. ClinVar contains an entry for this variant (Variation ID: 824427). Invitae Evidence Modeling of protein sequence and biophysical properties (such as structural, functional, and spatial information, amino acid conservation, physicochemical variation, residue mobility, and thermodynamic stability) indicates that this missense variant is not expected to disrupt ATM protein function with a negative predictive value of 95%. In summary, the available evidence is currently insufficient to determine the role of this variant in disease. Therefore, it has been classified as a Variant of Uncertain Significance.

Ambry Genetics
Classification: Likely benign for Hereditary cancer-predisposing syndrome. Last evaluated: 2024-01-16. Review status: criteria provided, single submitter. Criteria: Ambry Variant Classification Scheme 2023. Collection method: clinical testing. Allele origin: germline.

Baylor Genetics
Classification: Uncertain significance for Familial cancer of breast. Last evaluated: 2023-06-22. Review status: criteria provided, single submitter. Criteria: ACMG Guidelines, 2015. Collection method: clinical testing. Allele origin: unknown.

Natera, Inc.
Classification: Uncertain significance for Ataxia-telangiectasia. Last evaluated: 2021-10-18. Review status: no assertion criteria provided. Collection method: clinical testing. Allele origin: germline. Not counted in ClinVar's aggregate classification.